The following is an entry in ClinVar:

ClinVar aggregate classification (germline): Likely pathogenic. Review status: criteria provided, multiple submitters, no conflicts (2 of 4 stars). 2 submissions from 2 submitters: Likely pathogenic (2). Last evaluated 2023-12-20.

Conditions:
Retinitis pigmentosa 39 (RP39). Identifiers: Orphanet 791, MedGen C3151138, MONDO:0013436, OMIM 613809.

Allele frequency attached by ClinVar (database versions not stated): ExAC 0.00001.

Submissions (2):

Labcorp Genetics (formerly Invitae), Labcorp
Classification: Likely pathogenic. Last evaluated: 2023-12-20. Review status: criteria provided, single submitter. Criteria: Invitae Variant Classification Sherloc (09022015). Collection method: clinical testing. Allele origin: germline.
Comment: This sequence change affects a splice site in intron 2 of the USH2A gene. It is expected to disrupt RNA splicing. Variants that disrupt the donor or acceptor splice site typically lead to a loss of protein function (PMID: 16199547), and loss-of-function variants in USH2A are known to be pathogenic (PMID: 10729113, 10909849, 20507924, 25649381). This variant is present in population databases (rs747854857, gnomAD 0.0009%). This variant has not been reported in the literature in individuals affected with USH2A-related conditions. Algorithms developed to predict the effect of sequence changes on RNA splicing suggest that this variant may disrupt the consensus splice site. In summary, the currently available evidence indicates that the variant is pathogenic, but additional data are needed to prove that conclusively. Therefore, this variant has been classified as Likely Pathogenic.

Baylor Genetics
Classification: Likely pathogenic for Retinitis pigmentosa 39. Last evaluated: 2022-10-04. Review status: criteria provided, single submitter. Criteria: ACMG Guidelines, 2015. Collection method: clinical testing. Allele origin: unknown.

Literature cited by the submitters: PubMed 16199547 (cited by Labcorp Genetics (formerly Invitae), Labcorp); PubMed 10729113 (cited by Labcorp Genetics (formerly Invitae), Labcorp); PubMed 10909849 (cited by Labcorp Genetics (formerly Invitae), Labcorp); PubMed 20507924 (cited by Labcorp Genetics (formerly Invitae), Labcorp); PubMed 25649381 (cited by Labcorp Genetics (formerly Invitae), Labcorp).

NM_206933.4(USH2A):c.486-4_486-2del

Gene: USH2A (usherin; minus strand). Cytogenetic location: 1q41.
Variant type: Deletion.
Coding change: c.486-4_486-2del on transcript NM_206933.4 (MANE Select); 4 bases into the intron before coding-DNA position 486 through the canonical splice acceptor site of the intron before coding-DNA position 486, 3 bases deleted (TAA; older notation c.486-4_486-2delTAA).
Molecular consequence: splice acceptor variant.
Genome position (GRCh38, 1-based): chr1:216,418,681-216,418,683, TTA deleted on the plus strand (TAA on the coding strand, the reverse complement: USH2A is on the minus strand). VCF-style (leftmost placement, unchanged base first): chr1-216418680-CTTA-C. GRCh37 (hg19) VCF-style: chr1-216592022-CTTA-C.
Other names: c.486-4_486-2del (NM_007123.6).
Identifiers: ClinVar variation 2679550 (VCV002679550.4), dbSNP rs747854857, ClinGen allele CA1396768.